The following is an entry in ClinVar:

NM_130468.4(CHST14):c.83G>T (p.Gly28Val)

Genes: CHST14 (carbohydrate sulfotransferase 14; plus strand), LOC130056851 (ATAC-STARR-seq lymphoblastoid silent region 6336; plus strand). Cytogenetic location: 15q15.1.
Variant type: single nucleotide variant.
Coding change: c.83G>T on transcript NM_130468.4 (MANE Select); coding-DNA position 83, G replaced by T.
Protein change: p.Gly28Val; replaces glycine 28 with valine.
Molecular consequence: missense variant.
Genome position (GRCh38, 1-based): chr15:40,471,296, G>T. VCF-style: chr15-40471296-G-T. GRCh37 (hg19) VCF-style: chr15-40763495-G-T.
Other names: short protein forms G28V.
Identifiers: ClinVar variation 2566475 (VCV002566475.3), dbSNP rs1447394751, ClinGen allele CA391762130.

ClinVar aggregate classification (germline): Uncertain significance (1 of 4 stars; one submission).

Conditions:
Cardiovascular phenotype. Identifiers: MedGen CN230736.

Allele frequency attached by ClinVar (database versions not stated): TOPMed below 0.00001; gnomAD 0.00001; gnomAD exomes 0.00001.
gnomAD v4.1: 5 of 1,530,660 alleles (0.00033%); highest among the groups gnomAD compares: Admixed American, 0.0079%; no homozygotes.

Submission:

Ambry Genetics
Classification: Uncertain significance for Cardiovascular phenotype. Last evaluated: 2025-05-27. Review status: criteria provided, single submitter. Criteria: Ambry Variant Classification Scheme 2023. Collection method: clinical testing. Allele origin: germline.
Comment: The p.G28V variant (also known as c.83G>T), located in coding exon 1 of the CHST14 gene, results from a G to T substitution at nucleotide position 83. The glycine at codon 28 is replaced by valine, an amino acid with dissimilar properties. This amino acid position is conserved. In addition, this alteration is predicted to be tolerated by in silico analysis. Since supporting evidence is limited at this time, the clinical significance of this alteration remains unclear.